The following is an entry in ClinVar:

ClinVar aggregate classification (germline): Uncertain significance. Review status: criteria provided, multiple submitters, no conflicts (2 of 4 stars). 2 submissions from 2 submitters: Uncertain significance (2). Last evaluated 2022-09-27.

Conditions:
Inborn genetic diseases. Identifiers: MedGen C0950123, MeSH D030342.

Allele frequency attached by ClinVar (database versions not stated): gnomAD exomes 0.00006; gnomAD 0.00007 and 0.00008; ExAC 0.00008.

Submissions (2):

Labcorp Genetics (formerly Invitae), Labcorp
Classification: Uncertain significance. Last evaluated: 2022-09-27. Review status: criteria provided, single submitter. Criteria: Invitae Variant Classification Sherloc (09022015). Collection method: clinical testing. Allele origin: germline.
Comment: This sequence change replaces alanine, which is neutral and non-polar, with threonine, which is neutral and polar, at codon 2201 of the CAD protein (p.Ala2201Thr). The frequency data for this variant in the population databases is considered unreliable, as metrics indicate poor data quality at this position in the gnomAD database. This variant has not been reported in the literature in individuals affected with CAD-related conditions. ClinVar contains an entry for this variant (Variation ID: 1428915). Algorithms developed to predict the effect of missense changes on protein structure and function are either unavailable or do not agree on the potential impact of this missense change (SIFT: "Deleterious"; PolyPhen-2: "Probably Damaging"; Align-GVGD: "Class C0"). In summary, the available evidence is currently insufficient to determine the role of this variant in disease. Therefore, it has been classified as a Variant of Uncertain Significance.

Ambry Genetics
Classification: Uncertain significance for Inborn genetic diseases. Last evaluated: 2021-07-14. Review status: criteria provided, single submitter. Criteria: Ambry Variant Classification Scheme 2023. Collection method: clinical testing. Allele origin: germline.

NM_004341.5(CAD):c.6601G>A (p.Ala2201Thr)

Genes: CAD (carbamoyl-phosphate synthetase 2, aspartate transcarbamylase, and dihydroorotase; plus strand), LOC126806172 (CDK7 strongly-dependent group 2 enhancer GRCh37_chr2:27465505-27466704; plus strand). Cytogenetic location: 2p23.3.
Variant type: single nucleotide variant.
Coding change: c.6601G>A on transcript NM_004341.5 (MANE Select); coding-DNA position 6601, G replaced by A.
Protein change: p.Ala2201Thr; replaces alanine 2201 with threonine.
Molecular consequence: missense variant.
Genome position (GRCh38, 1-based): chr2:27,243,441, G>A. VCF-style: chr2-27243441-G-A. GRCh37 (hg19) VCF-style: chr2-27466309-G-A.
Other names: c.6412G>A, p.Ala2138Thr (NM_001306079.2); c.6601G>A (NM_004341.3); short protein forms A2138T, A2201T.
Identifiers: ClinVar variation 1428915 (VCV001428915.4), dbSNP rs768684075, ClinGen allele CA1574285.